The following is an entry in ClinVar:

ClinVar aggregate classification (germline): Likely benign. Review status: criteria provided, multiple submitters, no conflicts (2 of 4 stars). 3 submissions from 3 submitters: Likely benign (3). Last evaluated 2026-01-01.

Allele frequency attached by ClinVar (database versions not stated): ExAC 0.00001; gnomAD exomes 0.00002; gnomAD 0.00006; TOPMed 0.00009.
gnomAD v4.1: 38 of 1,614,058 alleles (0.0024%); highest among the groups gnomAD compares: African/African-American, 0.015%; no homozygotes.

Submissions (3):

CeGaT Center for Human Genetics Tuebingen
Classification: Likely benign. Last evaluated: 2026-01-01. Review status: criteria provided, single submitter. Criteria: CeGaT Center For Human Genetics Tuebingen Variant Classification Criteria Version 2. Collection method: clinical testing. Allele origin: germline. Affected: yes. Observed: 1 variant allele.
Comment: TWNK: BP4, BP7

Labcorp Genetics (formerly Invitae), Labcorp
Classification: Likely benign. Last evaluated: 2025-06-25. Review status: criteria provided, single submitter. Criteria: Invitae Variant Classification Sherloc (09022015). Collection method: clinical testing. Allele origin: germline.

GeneDx
Classification: Likely benign. Last evaluated: 2019-11-27. Review status: criteria provided, single submitter. Criteria: GeneDx Variant Classification Process June 2021. Collection method: clinical testing. Allele origin: germline. Affected: yes.

NM_021830.5(TWNK):c.726C>T (p.Ser242=)

Gene: TWNK (twinkle mtDNA helicase; plus strand). Cytogenetic location: 10q24.31.
Variant type: single nucleotide variant.
Coding change: c.726C>T on transcript NM_021830.5 (MANE Select); coding-DNA position 726, C replaced by T.
Protein change: p.Ser242=; no amino-acid change (serine 242 retained).
Molecular consequence: synonymous variant. On other transcripts: non-coding transcript variant (4), intron variant (3).
Genome position (GRCh38, 1-based): chr10:100,988,936, C>T. VCF-style: chr10-100988936-C-T. GRCh37 (hg19) VCF-style: chr10-102748693-C-T.
Other names: c.726C>T, p.Ser242= (NM_001163812.2); c.-119-708C>T (NM_001163814.2, NM_001163813.2); c.-57-770C>T (NM_001368275.1).
Identifiers: ClinVar variation 1194635 (VCV001194635.11), dbSNP rs772106344, ClinGen allele CA5653110.